The following is an entry in ClinVar:

ClinVar aggregate classification (germline): Likely pathogenic (1 of 4 stars; one submission).

Submission:

GeneDx
Classification: Likely pathogenic. Last evaluated: 2018-11-06. Review status: criteria provided, single submitter. Criteria: GeneDx Variant Classification (06012015). Collection method: clinical testing. Allele origin: germline. Affected: yes.
Comment: A variant that is likely pathogenic has been identified in the TCF12 gene. The c.60delA variant causes a frameshift starting with codon Leucine 21, changes this amino acid to a Tryptophan residue and creates a premature Stop codon at position 66 of the new reading frame, denoted p.Leu21TrpfsX66. This variant is predicted to cause loss of normal protein function either through protein truncation or nonsense-mediated mRNA decay. The c.60delA variant is not observed in large population cohorts (Lek et al., 2016). Therefore, this variant is likely pathogenic; however, the possibility that it is benign cannot be excluded.

NM_207037.2(TCF12):c.60del (p.Leu21fs)

Gene: TCF12 (transcription factor 12; plus strand). Cytogenetic location: 15q21.3.
Variant type: Deletion.
Coding change: c.60del on transcript NM_207037.2 (MANE Select); coding-DNA position 60, one base deleted (A; older notation c.60delA).
Protein change: p.Leu21fs; shifts the reading frame from leucine 21.
Molecular consequence: frameshift variant. On other transcripts: 5 prime UTR variant (3).
Genome position (GRCh38, 1-based): chr15:56,919,973, A deleted. VCF-style (leftmost placement, unchanged base first): chr15-56919972-TA-T. GRCh37 (hg19) VCF-style: chr15-57212170-TA-T.
Other names: c.60del, p.Leu21fs (NM_001322151.2, NM_001322152.2, NM_001322157.3 and 8 more transcripts); c.-593del (NM_001322154.2); c.-177del (NM_001322156.2, NM_001322158.2); short protein forms L21fs.
Identifiers: ClinVar variation 817307 (VCV000817307.1), dbSNP rs1595676731, ClinGen allele CA915946015.